The following is an entry in ClinVar:

ClinVar aggregate classification (germline): Uncertain significance (1 of 4 stars; one submission).

Conditions:
Gorlin syndrome. Also called: Nevoid Basal Cell Carcinoma Syndrome; Basal cell nevus syndrome. Identifiers: Orphanet 377, MedGen C0004779, MONDO:0007187.

Submission:

Labcorp Genetics (formerly Invitae), Labcorp
Classification: Uncertain significance for Gorlin syndrome. Last evaluated: 2024-12-20. Review status: criteria provided, single submitter. Criteria: Invitae Variant Classification Sherloc (09022015). Collection method: clinical testing. Allele origin: germline.
Comment: This sequence change replaces tryptophan, which is neutral and slightly polar, with serine, which is neutral and polar, at codon 1312 of the PTCH1 protein (p.Trp1312Ser). This variant is not present in population databases (gnomAD no frequency). This variant has not been reported in the literature in individuals affected with PTCH1-related conditions. Invitae Evidence Modeling of protein sequence and biophysical properties (such as structural, functional, and spatial information, amino acid conservation, physicochemical variation, residue mobility, and thermodynamic stability) indicates that this missense variant is not expected to disrupt PTCH1 protein function with a negative predictive value of 95%. In summary, the available evidence is currently insufficient to determine the role of this variant in disease. Therefore, it has been classified as a Variant of Uncertain Significance.

NM_000264.5(PTCH1):c.3935G>C (p.Trp1312Ser)

Gene: PTCH1 (patched 1; minus strand). Cytogenetic location: 9q22.32.
Variant type: single nucleotide variant.
Coding change: c.3935G>C on transcript NM_000264.5 (MANE Select); coding-DNA position 3935, G replaced by C.
Protein change: p.Trp1312Ser; replaces tryptophan 1312 with serine.
Molecular consequence: missense variant. On other transcripts: non-coding transcript variant (1).
Genome position (GRCh38, 1-based): chr9:95,447,321, C>G on the plus strand (G>C on the coding strand, the complement: PTCH1 is on the minus strand). VCF-style: chr9-95447321-C-G. GRCh37 (hg19) VCF-style: chr9-98209603-C-G.
Other names: c.3737G>C, p.Trp1246Ser (NM_001083602.3); c.3932G>C, p.Trp1311Ser (NM_001083603.3); c.3482G>C, p.Trp1161Ser (NM_001083604.3, NM_001083605.3, NM_001083606.3 and 1 more transcripts); c.3779G>C, p.Trp1260Ser (NM_001354918.2); short protein forms W1260S, W1311S, W1246S, W1312S, W1161S.
Identifiers: ClinVar variation 3635834 (VCV003635834.2).
Genomic context (GRCh38, chr9:95,447,321, plus strand): 5'-CCAGAATGCCCTTCAGTAGAAATTTCAAAAGCGTCTCTGCGCGGTCTGTAGGGGGGTGGC[C>G]ACAAGCCTTCTCTGGGGGGGTCCCTGCGGGGCTGCTGGCCTTGCCGTCCGGGAGGCAGGG-3'
Protein context (NP_000255.2, residues 1302-1322): PRRDPPREGL[Trp1312Ser]PPPYRPRRDA